The following is an entry in ClinVar:

NM_015488.5(PNKD):c.1146C>G (p.His382Gln)

Genes: CATIP-AS2 (CATIP antisense RNA 2; minus strand), PNKD (PNKD metallo-beta-lactamase domain containing; plus strand). Cytogenetic location: 2q35.
Variant type: single nucleotide variant.
Coding change: c.1146C>G on transcript NM_015488.5 (MANE Select); coding-DNA position 1146, C replaced by G.
Protein change: p.His382Gln; replaces histidine 382 with glutamine.
Molecular consequence: missense variant.
Genome position (GRCh38, 1-based): chr2:218,344,969, C>G. VCF-style: chr2-218344969-C-G. GRCh37 (hg19) VCF-style: chr2-219209692-C-G.
Other names: c.1074C>G, p.His358Gln (NM_022572.5); short protein forms H358Q, H382Q.
Identifiers: ClinVar variation 936595 (VCV000936595.9), dbSNP rs1157053840, ClinGen allele CA350544130.

ClinVar aggregate classification (germline): Uncertain significance (1 of 4 stars; one submission).

Conditions:
Paroxysmal nonkinesigenic dyskinesia. Also called: Paroxysmal non-kinesigenic dyskinesia. Identifiers: Orphanet 98810, MedGen C1869117, MONDO:0700088.

Allele frequency attached by ClinVar (database versions not stated): TOPMed below 0.00001; gnomAD 0.00001; gnomAD exomes 0.00001.
gnomAD v4.1: 15 of 1,613,070 alleles (0.00093%); highest among the groups gnomAD compares: Non-Finnish European, 0.0013%; no homozygotes.

Submission:

Labcorp Genetics (formerly Invitae), Labcorp
Classification: Uncertain significance for Paroxysmal nonkinesigenic dyskinesia. Last evaluated: 2024-07-19. Review status: criteria provided, single submitter. Criteria: Invitae Variant Classification Sherloc (09022015). Collection method: clinical testing. Allele origin: germline.
Comment: This sequence change replaces histidine, which is basic and polar, with glutamine, which is neutral and polar, at codon 382 of the PNKD protein (p.His382Gln). This variant is not present in population databases (gnomAD no frequency). This variant has not been reported in the literature in individuals affected with PNKD-related conditions. ClinVar contains an entry for this variant (Variation ID: 936595). Advanced modeling of protein sequence and biophysical properties (such as structural, functional, and spatial information, amino acid conservation, physicochemical variation, residue mobility, and thermodynamic stability) performed at Invitae indicates that this missense variant is not expected to disrupt PNKD protein function with a negative predictive value of 80%. In summary, the available evidence is currently insufficient to determine the role of this variant in disease. Therefore, it has been classified as a Variant of Uncertain Significance.